The following is an entry in ClinVar:

NM_000277.3(PAH):c.527G>T (p.Arg176Leu)

Gene: PAH (phenylalanine hydroxylase; minus strand). Cytogenetic location: 12q23.2.
Variant type: single nucleotide variant.
Coding change: c.527G>T on transcript NM_000277.3 (MANE Select); coding-DNA position 527, G replaced by T.
Protein change: p.Arg176Leu; replaces arginine 176 with leucine.
Molecular consequence: missense variant.
Genome position (GRCh38, 1-based): chr12:102,855,315, C>A on the plus strand (G>T on the coding strand, the complement: PAH is on the minus strand). VCF-style: chr12-102855315-C-A. GRCh37 (hg19) VCF-style: chr12-103249093-C-A.
Other names: c.527G>T, p.Arg176Leu (NM_001354304.2); c.527G>T (NM_000277.2); short protein forms R176L.
Identifiers: ClinVar variation 631 (VCV000000631.39), dbSNP rs74486803, ClinGen allele CA114371.

ClinVar aggregate classification (germline): Pathogenic. Review status: reviewed by expert panel (3 of 4 stars). 17 submissions from 17 submitters: Pathogenic (1). 16 of the submissions do not count toward it. Last evaluated 2020-10-16.

Conditions:
PAH-related disorder. Also called: PAH-related condition.
Inborn genetic diseases. Identifiers: MedGen C0950123, MeSH D030342.
Phenylketonuria (PKU). Also called: FOLLING DISEASE; Phenylketonurias; Phenylketonuria (PKU); OLIGOPHRENIA PHENYLPYRUVICA. Identifiers: Orphanet 716, MedGen C0031485, MONDO:0009861, OMIM 261600. Disease mechanism: loss of function.
Hyperphenylalaninemia. Also called: Hyperphenylalaninemia (HPA); Hyperphenylalaninemia, non-pku; Hyperphenylalaninaemia. Identifiers: MedGen C0751435, HP:0004923.
6-Pyruvoyl-tetrahydrobiopterin synthase deficiency. Also called: Hyperphenylalanemia, BH4-deficient, A; Hyperphenylalaninemia due to 6-pyruvoyl-tetrahydropterin synthase deficiency; 6-Pyruvoyltetrahydropterin Synthase Deficiency; HYPERPHENYLALANINEMIA, TETRAHYDROBIOPTERIN-DEFICIENT, DUE TO PTS DEFICIENCY; BH4-deficient hyperphenylalaninemia A; PTS-Related Tetrahydrobiopterin Deficiency. Identifiers: Orphanet 13, Orphanet 238583, MedGen C0878676, MONDO:0009863, OMIM 261640.

Allele frequency attached by ClinVar (database versions not stated): TOPMed 0.00003.
gnomAD v4.1: 76 of 1,613,912 alleles (0.0047%); highest among the groups gnomAD compares: Admixed American, 0.023%; no homozygotes.

Submissions (17):

ClinGen PAH Variant Curation Expert Panel
Classification: Pathogenic for Phenylketonuria. Last evaluated: 2020-10-16. Review status: reviewed by expert panel. Criteria: ClinGen PAH ACMG Specifications v1. Collection method: curation. Allele origin: germline. Inheritance: Autosomal recessive inheritance.
Comment: This c.527G>T (p.Arg176Leu) variant in PAH was reported in multiple patients with hyperphenylalaninemia and detected with 11 pathogenic variants (PMID: 27121329, 9634518, and 29288420). Experimental studies from two publications have demonstrated this variant to have a deleterious effect (PMID: 17924342 and 30037505). In summary, this variant meets criteria to be classified as pathogenic for PAH. PAH-specific ACMG/AMP criteria applied: PM3_very-strong, PS3, and PP4_moderate.

Labcorp Genetics (formerly Invitae), Labcorp
Classification: Pathogenic for Phenylketonuria. Last evaluated: 2026-01-20. Review status: criteria provided, single submitter. Criteria: Invitae Variant Classification Sherloc (09022015). Collection method: clinical testing. Allele origin: germline. Not counted in ClinVar's aggregate classification.
Comment: This sequence change replaces arginine, which is basic and polar, with leucine, which is neutral and non-polar, at codon 176 of the PAH protein (p.Arg176Leu). This variant is present in population databases (rs74486803, gnomAD 0.02%). This missense change has been observed in individual(s) with mild phenylketonuria, classical phenylketonuria and hyperphenylalaninemia (PMID: 8088845, 15464430, 17935162, 23500595, 27121329). ClinVar contains an entry for this variant (Variation ID: 631). Invitae Evidence Modeling of protein sequence and biophysical properties (such as structural, functional, and spatial information, amino acid conservation, physicochemical variation, residue mobility, and thermodynamic stability) indicates that this missense variant is not expected to disrupt PAH protein function with a negative predictive value of 80%. Experimental studies have shown that this missense change affects PAH function (PMID: 17924342, 27121329). For these reasons, this variant has been classified as Pathogenic.

Natera, Inc.
Classification: Pathogenic for Phenylketonuria. Last evaluated: 2025-10-09. Review status: criteria provided, single submitter. Criteria: Natera Variant Classification Schema (03/2026). Collection method: clinical testing. Allele origin: germline. Not counted in ClinVar's aggregate classification.
Comment: The c.527G>T variant in PAH is a missense variant predicted to cause substitution of arginine to leucine at amino acid 176. This variant is rare in the general population with a frequency below the threshold expected for the associated phenotype(s). This variant has been observed in one or more individuals affected with the associated recessive disease, as either homozygous or compound heterozygous with a second variant (PMID: 27121329). Given the available evidence, this variant is classified as Pathogenic.

GeneDx
Classification: Pathogenic. Last evaluated: 2025-08-22. Review status: criteria provided, single submitter. Criteria: GeneDx Variant Classification Process June 2021. Collection method: clinical testing. Allele origin: germline. Affected: yes. Not counted in ClinVar's aggregate classification.
Comment: Considered a mild PAH variant as it is associated with significant residual phenylalanine hydroxylase enzyme activity and has been described in association with mild and moderate PKU and hyperphenylalaninemia (PMID: 17935162, 23500595, 8088845); In silico analysis supports that this missense variant has a deleterious effect on protein structure/function; This variant is associated with the following publications: (PMID: 25087612, 23500595, 34828281, 8088845, 26990548, 31623983, 29997390, 10234516, 27121329, 26210745, 30459323, 31589614, 32668217, 33465300, 29288420, 30037505, 17935162)

Variantyx, Inc.
Classification: Pathogenic for Phenylketonuria. Last evaluated: 2025-08-13. Review status: criteria provided, single submitter. Criteria: Variantyx Assertion Criteria 2022. Collection method: clinical testing. Allele origin: germline. Inheritance: Autosomal recessive inheritance. Affected: no. Not counted in ClinVar's aggregate classification.
Comment: This is a nonsynonymous variant in the PAH gene (OMIM: 612349). Pathogenic variants in this gene have been associated with autosomal recessive phenylketonuria. This variant has been identified in the homozygous or compound heterozygous state in many individuals reported in the published literature (PMID: 27121329, 23500595, 29288420 )(PM3_Strong). Computational algorithms produce conflicting evidence regarding the predicted functional impact of this variant (REVEL score: 0.617) but functional studies have shown that this variant alters PAH protein function (PMID: 17924342, 27121329, 23500595, 30037505) (PS3). This variant has a 0.0233% maximum allele frequency in non-founder control populations. Based on the current evidence, this variant is classified as pathogenic for autosomal recessive phenylketonuria.

Blueprint Genetics
Classification: Pathogenic for PAH-related disorders. Last evaluated: 2024-03-07. Review status: criteria provided, single submitter. Criteria: ACMG Guidelines, 2015. Collection method: clinical testing. Allele origin: germline. Affected: yes. Observed: 5 variant alleles. Not counted in ClinVar's aggregate classification.

Revvity Omics, Revvity
Classification: Pathogenic for Phenylketonuria. Last evaluated: 2022-03-14. Review status: criteria provided, single submitter. Criteria: ACMG Guidelines, 2015. Collection method: clinical testing. Allele origin: germline. Not counted in ClinVar's aggregate classification.

Ambry Genetics
Classification: Pathogenic for Inborn genetic diseases. Last evaluated: 2021-08-27. Review status: criteria provided, single submitter. Criteria: Ambry Variant Classification Scheme 2023. Collection method: clinical testing. Allele origin: germline. Not counted in ClinVar's aggregate classification.
Comment: The c.527G>T (p.R176L) alteration is located in exon 6 (coding exon 6) of the PAH gene. This alteration results from a G to T substitution at nucleotide position 527, causing the arginine (R) at amino acid position 176 to be replaced by a leucine (L). Based on data from gnomAD, the T allele has an overall frequency of 0.01% (15/282552) total alleles studied. This alteration has been reported in the compound heterozygous state with a second PAH alteration in several patients with hyperphenylalaninemia and has been reported as a BH4-responsive alteration (Guldberg, 1994; Zurfl&uuml;h, 2008; Ohlsson, 2017; Ald&aacute;miz-Echevarr&iacute;a, 2016). In addition, another alteration at this position (p.R176Q) has also been reported in affected patients (Desviat, 1999; Ald&aacute;miz-Echevarr&iacute;a, 2016; Chen, 2018). This amino acid position is not well conserved in available vertebrate species. In vitro functional studies demonstrate reduced residual PAH enzyme activity in multiple cell systems (Gjetting, 2001; Himmelreich, 2018). The in silico prediction for this alteration is inconclusive. Based on the available evidence, this alteration is classified as pathogenic.

Laboratorio de Genetica e Diagnostico Molecular, Hospital Israelita Albert Einstein
Classification: Pathogenic. Last evaluated: 2021-08-16. Review status: criteria provided, single submitter. Criteria: ACMG Guidelines, 2015. Collection method: clinical testing. Allele origin: germline. Affected: yes. Not counted in ClinVar's aggregate classification.
Comment: ACMG classification criteria: PS3, PM3, PP4

Fulgent Genetics
Classification: Pathogenic for Phenylketonuria. Last evaluated: 2021-07-26. Review status: criteria provided, single submitter. Criteria: ACMG Guidelines, 2015. Collection method: clinical testing. Allele origin: unknown. Not counted in ClinVar's aggregate classification.

Women's Health and Genetics/Laboratory Corporation of America, LabCorp
Classification: Pathogenic for BH4-deficient hyperphenylalaninemia A. Last evaluated: 2020-12-02. Review status: criteria provided, single submitter. Criteria: LabCorp Variant Classification Summary - May 2015. Collection method: clinical testing. Allele origin: germline. Not counted in ClinVar's aggregate classification.
Comment: Variant summary: PAH c.527G>T (p.Arg176Leu) results in a non-conservative amino acid change located in the Aromatic amino acid hydroxylase, C-terminal domain (IPR019774) of the encoded protein sequence. Three of five in-silico tools predict a damaging effect of the variant on protein function. The variant allele was found at a frequency of 5.2e-05 in 251160 control chromosomes. This frequency is not significantly higher than expected for a pathogenic variant in PAH causing Hyperphenylalaninemia (5.2e-05 vs 0.0079), allowing no conclusion about variant significance. c.527G>T has been reported in the literature in multiple individuals affected with Hyperphenylalaninemia (example Aldamiz-Echevarria_2016). These data indicate that the variant is very likely to be associated with disease. At least one publication reports experimental evidence evaluating an impact on protein function. The most pronounced variant effect results in 30%-50% of normal PAH activity (Aldamiz-Echevarria_2016). Multiple clinical diagnostic laboratories have submitted clinical-significance assessments for this variant to ClinVar after 2014 without evidence for independent evaluation. All submitters classified the variant as pathogenic/likely pathogenic. Based on the evidence outlined above, the variant was classified as pathogenic.

Center for Pediatric Genomic Medicine, Children's Mercy Hospital and Clinics
Classification: Pathogenic. Last evaluated: 2016-05-03. Review status: criteria provided, single submitter. Criteria: ACMG Guidelines, 2015. Collection method: clinical testing. Allele origin: germline. Not counted in ClinVar's aggregate classification.

Eurofins Ntd Llc (ga)
Classification: Pathogenic. Last evaluated: 2015-07-30. Review status: criteria provided, single submitter. Criteria: EGL Classification Definitions 2015. Collection method: clinical testing. Allele origin: germline. Observed: 1 variant allele, 1 heterozygote. Not counted in ClinVar's aggregate classification.

Clinical Genetics Service, Universitary Hospital 12 de Octubre
Classification: Pathogenic for Phenylketonuria. Review status: criteria provided, single submitter. Criteria: ACMG Guidelines, 2015. Collection method: clinical testing. Allele origin: maternal. Affected: yes. Not counted in ClinVar's aggregate classification.

Counsyl
Classification: Pathogenic for Phenylketonuria. Last evaluated: 2017-03-06. Review status: no assertion criteria provided. Collection method: clinical testing. Allele origin: unknown. Not counted in ClinVar's aggregate classification.

OMIM
Classification: Pathogenic for HYPERPHENYLALANINEMIA, NON-PKU. Last evaluated: 1994-05-15. Review status: no assertion criteria provided. Collection method: literature only. Allele origin: germline. Not counted in ClinVar's aggregate classification.

DeBelle Laboratory for Biochemical Genetics, MUHC/MCH RESEARCH INSTITUTE
No classification provided. Review status: no classification provided. Collection method: not provided. Allele origin: not provided. Not counted in ClinVar's aggregate classification.

Literature cited by the submitters: PubMed 17924342 (cited by 3 submitters); PubMed 27121329 (cited by 5 submitters); PubMed 29288420 (cited by ClinGen PAH Variant Curation Expert Panel and Variantyx, Inc.); PubMed 30037505 (cited by 3 submitters); PubMed 9634518 (cited by ClinGen PAH Variant Curation Expert Panel); PubMed 8088845 (cited by 3 submitters); PubMed 15464430 (cited by Labcorp Genetics (formerly Invitae), Labcorp); PubMed 17935162 (cited by 3 submitters); PubMed 23500595 (cited by Labcorp Genetics (formerly Invitae), Labcorp and Variantyx, Inc.); PubMed 10234516 (cited by Ambry Genetics and Counsyl); PubMed 11161839 (cited by Ambry Genetics); PubMed 27469133 (cited by Ambry Genetics); PubMed 30459323 (cited by Ambry Genetics); PubMed 10980574 (cited by Counsyl).